The following is an entry in ClinVar:

ClinVar aggregate classification (germline): Uncertain significance (1 of 4 stars; one submission).

Conditions:
Sulfite oxidase deficiency due to molybdenum cofactor deficiency type C. Also called: Molybdenum cofactor deficiency, complementation group C; Molybdenum cofactor deficiency C. Identifiers: Orphanet 308400, Orphanet 833, MedGen C1854990, MONDO:0014212, OMIM 615501.

gnomAD v4.1: 10 of 1,613,628 alleles (0.00062%); highest among the groups gnomAD compares: South Asian, 0.0011%; no homozygotes.

Submission:

Labcorp Genetics (formerly Invitae), Labcorp
Classification: Uncertain significance for Sulfite oxidase deficiency due to molybdenum cofactor deficiency type C. Last evaluated: 2025-08-11. Review status: criteria provided, single submitter. Criteria: Invitae Variant Classification Sherloc (09022015). Collection method: clinical testing. Allele origin: germline.
Comment: This sequence change replaces arginine, which is basic and polar, with histidine, which is basic and polar, at codon 737 of the GPHN protein (p.Arg737His). This variant is not present in population databases (gnomAD no frequency). This variant has not been reported in the literature in individuals affected with GPHN-related conditions. ClinVar contains an entry for this variant (Variation ID: 3712824). Invitae Evidence Modeling of protein sequence and biophysical properties (such as structural, functional, and spatial information, amino acid conservation, physicochemical variation, residue mobility, and thermodynamic stability) indicates that this missense variant is not expected to disrupt GPHN protein function with a negative predictive value of 80%. In summary, the available evidence is currently insufficient to determine the role of this variant in disease. Therefore, it has been classified as a Variant of Uncertain Significance.

NM_020806.5(GPHN):c.2210G>A (p.Arg737His)

Gene: GPHN (gephyrin; plus strand). Cytogenetic location: 14q23.3.
Variant type: single nucleotide variant.
Coding change: c.2210G>A on transcript NM_020806.5 (MANE Select); coding-DNA position 2210, G replaced by A.
Protein change: p.Arg737His; replaces arginine 737 with histidine.
Molecular consequence: missense variant.
Genome position (GRCh38, 1-based): chr14:67,180,837, G>A. VCF-style: chr14-67180837-G-A. GRCh37 (hg19) VCF-style: chr14-67647554-G-A.
Other names: c.2111G>A, p.Arg704His (NM_001024218.2); c.2270G>A, p.Arg757His (NM_001377514.1); c.2240G>A, p.Arg747His (NM_001377515.1); c.2231G>A, p.Arg744His (NM_001377516.1); c.2183G>A, p.Arg728His (NM_001377517.1); c.2168G>A, p.Arg723His (NM_001377518.1); c.2150G>A, p.Arg717His (NM_001377519.1); short protein forms R717H, R723H, R704H, R728H, R747H, R757H, R737H, R744H.
Identifiers: ClinVar variation 3712824 (VCV003712824.2).